The following is an entry in ClinVar:

NM_006164.5(NFE2L2):c.1624G>A (p.Glu542Lys)

Gene: NFE2L2 (NFE2 like bZIP transcription factor 2; minus strand). Cytogenetic location: 2q31.2.
Variant type: single nucleotide variant.
Coding change: c.1624G>A on transcript NM_006164.5 (MANE Select); coding-DNA position 1624, G replaced by A.
Protein change: p.Glu542Lys; replaces glutamic acid 542 with lysine.
Molecular consequence: missense variant.
Genome position (GRCh38, 1-based): chr2:177,230,979, C>T on the plus strand (G>A on the coding strand, the complement: NFE2L2 is on the minus strand). VCF-style: chr2-177230979-C-T. GRCh37 (hg19) VCF-style: chr2-178095707-C-T.
Other names: c.1576G>A, p.Glu526Lys (NM_001145412.3, NM_001313900.1, NM_001313901.1); c.1555G>A, p.Glu519Lys (NM_001145413.3); c.1534G>A, p.Glu512Lys (NM_001313902.2); c.1405G>A, p.Glu469Lys (NM_001313903.2); c.1324G>A, p.Glu442Lys (NM_001313904.1); short protein forms E469K, E512K, E526K, E542K, E519K, E442K.
Identifiers: ClinVar variation 1033075 (VCV001033075.2), dbSNP rs1352374288, ClinGen allele CA349366919.

ClinVar aggregate classification (germline): Uncertain significance (1 of 4 stars; one submission).

Conditions:
Immunodeficiency, developmental delay, and hypohomocysteinemia. Identifiers: MedGen C4540293, MONDO:0060591, OMIM 617744.

Allele frequency attached by ClinVar (database versions not stated): gnomAD exomes 0.00001; gnomAD 0.00001; TOPMed below 0.00001.
gnomAD v4.1: 8 of 1,608,938 alleles (0.0005%); highest among the groups gnomAD compares: Middle Eastern, 0.016%; no homozygotes.

Submission:

Baylor Genetics
Classification: Uncertain significance for Immunodeficiency, developmental delay, and hypohomocysteinemia. Last evaluated: 2018-04-19. Review status: criteria provided, single submitter. Criteria: ACMG Guidelines, 2015. Collection method: clinical testing. Allele origin: maternal. Affected: yes.
Comment: This variant was determined to be of uncertain significance according to ACMG Guidelines, 2015 [PMID:25741868].